The following is an entry in ClinVar:

NM_017950.4(CCDC40):c.1597G>A (p.Glu533Lys)

Gene: CCDC40 (coiled-coil domain 40 molecular ruler complex subunit; plus strand). Cytogenetic location: 17q25.3.
Variant type: single nucleotide variant.
Coding change: c.1597G>A on transcript NM_017950.4 (MANE Select); coding-DNA position 1597, G replaced by A.
Protein change: p.Glu533Lys; replaces glutamic acid 533 with lysine.
Molecular consequence: missense variant.
Genome position (GRCh38, 1-based): chr17:80,081,580, G>A. VCF-style: chr17-80081580-G-A. GRCh37 (hg19) VCF-style: chr17-78055379-G-A.
Other names: c.1597G>A, p.Glu533Lys (NM_001243342.2); short protein forms E533K.
Identifiers: ClinVar variation 4740756 (VCV004740756.1).
Genomic context (GRCh38, chr17:80,081,580, plus strand): 5'-TGGCTCTCCCCGCTGCATTTCTACAGAGGATGCCAGCATCAAGCCAAATCCACCGACGGC[G>A]AGATTGAGGCCTATAAGAAATCCATCATGAAGGAGGAAGAAAAGAACGAGAAGCTGGCGA-3'
Protein context (NP_060420.2, residues 523-543): CQHQAKSTDG[Glu533Lys]IEAYKKSIMK

ClinVar aggregate classification (germline): Uncertain significance (1 of 4 stars; one submission).

Conditions:
Primary ciliary dyskinesia. Also called: Ciliary dyskinesia. Identifiers: Orphanet 244, MedGen C0008780, MONDO:0016575, HP:0012265.

gnomAD v4.1: 32 of 1,613,776 alleles (0.002%); highest among the groups gnomAD compares: Non-Finnish European, 0.0025%; no homozygotes.

Submission:

Labcorp Genetics (formerly Invitae), Labcorp
Classification: Uncertain significance for Primary ciliary dyskinesia. Last evaluated: 2025-04-30. Review status: criteria provided, single submitter. Criteria: Invitae Variant Classification Sherloc (09022015). Collection method: clinical testing. Allele origin: germline.
Comment: This sequence change replaces glutamic acid, which is acidic and polar, with lysine, which is basic and polar, at codon 533 of the CCDC40 protein (p.Glu533Lys). This variant is present in population databases (rs370166011, gnomAD 0.004%). This variant has not been reported in the literature in individuals affected with CCDC40-related conditions. Invitae Evidence Modeling of protein sequence and biophysical properties (such as structural, functional, and spatial information, amino acid conservation, physicochemical variation, residue mobility, and thermodynamic stability) indicates that this missense variant is expected to disrupt CCDC40 protein function with a positive predictive value of 80%. In summary, the available evidence is currently insufficient to determine the role of this variant in disease. Therefore, it has been classified as a Variant of Uncertain Significance.